The following is an entry in ClinVar:

NM_172070.4(UBR3):c.1530C>T (p.Tyr510=)

Gene: UBR3 (ubiquitin protein ligase E3 component n-recognin 3; plus strand). Cytogenetic location: 2q31.1.
Variant type: single nucleotide variant.
Coding change: c.1530C>T on transcript NM_172070.4 (MANE Select); coding-DNA position 1530, C replaced by T.
Protein change: p.Tyr510=; no amino-acid change (tyrosine 510 retained).
Molecular consequence: synonymous variant.
Genome position (GRCh38, 1-based): chr2:169,905,178, C>T. VCF-style: chr2-169905178-C-T. GRCh37 (hg19) VCF-style: chr2-170761688-C-T.
Identifiers: ClinVar variation 3042682 (VCV003042682.2), dbSNP rs915388936, ClinGen allele CA59659599.

ClinVar aggregate classification (germline): Likely benign (0 of 4 stars; one submission).

Conditions:
UBR3-related disorder. Also called: UBR3-related condition.

Allele frequency attached by ClinVar (database versions not stated): gnomAD exomes 0.00001; gnomAD 0.00002; TOPMed 0.00002.
gnomAD v4.1: 8 of 1,544,910 alleles (0.00052%); highest among the groups gnomAD compares: Admixed American, 0.016%; no homozygotes.

Submission:

PreventionGenetics, part of Exact Sciences
Classification: Likely benign for UBR3-related condition. Last evaluated: 2019-07-01. Review status: no assertion criteria provided. Collection method: clinical testing. Allele origin: germline.
Comment: This variant is classified as likely benign based on ACMG/AMP sequence variant interpretation guidelines (Richards et al. 2015 PMID: 25741868, with internal and published modifications).